The following is an entry in ClinVar:

NM_001164508.2(NEB):c.19284C>G (p.His6428Gln)

Gene: NEB (nebulin; minus strand). Cytogenetic location: 2q23.3.
Variant type: single nucleotide variant.
Coding change: c.19284C>G on transcript NM_001164508.2 (MANE Select); coding-DNA position 19284, C replaced by G.
Protein change: p.His6428Gln; replaces histidine 6428 with glutamine.
Molecular consequence: missense variant.
Genome position (GRCh38, 1-based): chr2:151,560,622, G>C on the plus strand (C>G on the coding strand, the complement: NEB is on the minus strand). VCF-style: chr2-151560622-G-C. GRCh37 (hg19) VCF-style: chr2-152417136-G-C.
Other names: c.19284C>G, p.His6428Gln (NM_001164507.2, NM_001271208.2); c.14181C>G, p.His4727Gln (NM_004543.5); short protein forms H4727Q, H6428Q.
Identifiers: ClinVar variation 1024003 (VCV001024003.6), dbSNP rs201005449, ClinGen allele CA348793817.

ClinVar aggregate classification (germline): Uncertain significance (1 of 4 stars; one submission).

Conditions:
Nemaline myopathy 2 (NEM2). Also called: Nemaline myopathy 2, autosomal recessive. Identifiers: MedGen C1850569, MONDO:0009725, OMIM 256030.

Allele frequency attached by ClinVar (database versions not stated): TOPMed 0.00001.

Submission:

Labcorp Genetics (formerly Invitae), Labcorp
Classification: Uncertain significance for Nemaline myopathy 2. Last evaluated: 2021-08-27. Review status: criteria provided, single submitter. Criteria: Invitae Variant Classification Sherloc (09022015). Collection method: clinical testing. Allele origin: germline.
Comment: This sequence change replaces histidine with glutamine at codon 6428 of the NEB protein (p.His6428Gln). The histidine residue is moderately conserved and there is a small physicochemical difference between histidine and glutamine. This variant is not present in population databases (ExAC no frequency). This variant has not been reported in the literature in individuals affected with NEB-related conditions. Algorithms developed to predict the effect of missense changes on protein structure and function are either unavailable or do not agree on the potential impact of this missense change (SIFT: "Deleterious"; PolyPhen-2: "Not Available"; Align-GVGD: "Class C0"). Algorithms developed to predict the effect of sequence changes on RNA splicing suggest that this variant may create or strengthen a splice site. In summary, the available evidence is currently insufficient to determine the role of this variant in disease. Therefore, it has been classified as a Variant of Uncertain Significance.